The following is an entry in ClinVar:

ClinVar aggregate classification (germline): Likely benign. Review status: criteria provided, multiple submitters, no conflicts (2 of 4 stars). 3 submissions from 3 submitters: Likely benign (3). Last evaluated 2026-02-25.

Conditions:
KCNQ4-related disorder. Also called: KCNQ4-related condition.

Allele frequency attached by ClinVar (database versions not stated): gnomAD exomes 0.00002; ExAC 0.00005; gnomAD 0.00005; TOPMed 0.00007.
gnomAD v4.1: 64 of 1,607,992 alleles (0.004%); highest among the groups gnomAD compares: African/African-American, 0.015%; no homozygotes.

Submissions (3):

PreventionGenetics, part of Exact Sciences
Classification: Likely benign for KCNQ4-related condition. Last evaluated: 2026-02-25. Review status: criteria provided, single submitter. Criteria: ACMG Guidelines, 2015. Collection method: clinical testing. Allele origin: germline.
Comment: This variant is classified as likely benign based on ACMG/AMP sequence variant interpretation guidelines (Richards et al. 2015 PMID: 25741868, with internal and published modifications).

Labcorp Genetics (formerly Invitae), Labcorp
Classification: Likely benign. Last evaluated: 2023-10-03. Review status: criteria provided, single submitter. Criteria: Invitae Variant Classification Sherloc (09022015). Collection method: clinical testing. Allele origin: germline.

Laboratory for Molecular Medicine, Mass General Brigham Personalized Medicine
Classification: Likely benign. Last evaluated: 2013-11-05. Review status: criteria provided, single submitter. Criteria: LMM Criteria. Collection method: clinical testing. Allele origin: germline. Observed: 1 variant allele.
Comment: Pro421Pro in Exon 09 of KCNQ4: This variant is not expected to have clinical sig nificance because it does not alter an amino acid residue and is not located wit hin the splice consensus sequence.

NM_004700.4(KCNQ4):c.1263G>A (p.Pro421=)

Gene: KCNQ4 (potassium voltage-gated channel subfamily Q member 4; plus strand). Cytogenetic location: 1p34.2.
Variant type: single nucleotide variant.
Coding change: c.1263G>A on transcript NM_004700.4 (MANE Select); coding-DNA position 1263, G replaced by A.
Protein change: p.Pro421=; no amino-acid change (proline 421 retained).
Molecular consequence: synonymous variant. On other transcripts: intron variant (1).
Genome position (GRCh38, 1-based): chr1:40,824,229, G>A. VCF-style: chr1-40824229-G-A. GRCh37 (hg19) VCF-style: chr1-41289901-G-A.
Other names: c.1130+1827G>A (NM_172163.3).
Identifiers: ClinVar variation 163752 (VCV000163752.8), dbSNP rs727503105, ClinGen allele CA176475.
Genomic context (GRCh38, chr1:40,824,229, plus strand): 5'-GGCGCCGGTACCCGACGGAGCACCCTCCCGTTACCCGCCCGTTGCCACCTGCCACCGGCC[G>A]GGCAGCACCTCCTTCTGCCCTGGGGAAAGGTAGGGGCCCCGTGGGGCTGCCACCTCCTCT-3'
Protein context (NP_004691.2, residues 411-431): RYPPVATCHR[Pro421=]GSTSFCPGES